The following is an entry in ClinVar:

NM_000361.3(THBD):c.1465G>C (p.Asp489His)

Gene: THBD (thrombomodulin; minus strand). Cytogenetic location: 20p11.21.
Variant type: single nucleotide variant.
Coding change: c.1465G>C on transcript NM_000361.3 (MANE Select); coding-DNA position 1465, G replaced by C.
Protein change: p.Asp489His; replaces aspartic acid 489 with histidine.
Molecular consequence: missense variant.
Genome position (GRCh38, 1-based): chr20:23,048,040, C>G on the plus strand (G>C on the coding strand, the complement: THBD is on the minus strand). VCF-style: chr20-23048040-C-G. GRCh37 (hg19) VCF-style: chr20-23028677-C-G.
Other names: short protein forms D489H.
Identifiers: ClinVar variation 3587109 (VCV003587109.2).

ClinVar aggregate classification (germline): Uncertain significance. Review status: criteria provided, multiple submitters, no conflicts (2 of 4 stars). 2 submissions from 2 submitters: Uncertain significance (2). Last evaluated 2025-09-22.

Conditions:
Thrombomodulin-related bleeding disorder (THPH12). Also called: Thrombophilia due to thrombomodulin defect. Identifiers: Orphanet 436169, MedGen C3280976, MONDO:0013775, OMIM 614486.
Atypical hemolytic-uremic syndrome with thrombomodulin anomaly. Also called: HEMOLYTIC UREMIC SYNDROME, ATYPICAL, SUSCEPTIBILITY TO, 6; AHUS, SUSCEPTIBILITY TO, 6. Identifiers: MedGen C2752036, MONDO:0013044, OMIM 612926. Disease mechanism: gain of function.

gnomAD v4.1: 10 of 1,611,558 alleles (0.00062%); highest among the groups gnomAD compares: African/African-American, 0.011%; no homozygotes.

Submissions (2):

Genomenon, Inc
Classification: Uncertain significance for Thrombomodulin-related bleeding disorder. Last evaluated: 2025-09-22. Review status: criteria provided, single submitter. Criteria: Genomenon Sequence Variant Interpretation Standards - Updated. Collection method: curation. Allele origin: germline. Affected: no.
Comment: THBD p.Asp489His (c.1465G>C) is a missense variant that changes the amino acid at residue 489 from Aspartic acid to Histidine. This variant has been reported in the published literature (PMID:39035772). It is absent or not present at a significant frequency in gnomAD. In conclusion, we classify THBD p.Asp489His (c.1465G>C) as a variant of unknown significance.

Fulgent Genetics
Classification: Uncertain significance for Atypical hemolytic-uremic syndrome with thrombomodulin anomaly; Thrombomodulin-related bleeding disorder. Last evaluated: 2024-04-22. Review status: criteria provided, single submitter. Criteria: ACMG Guidelines, 2015. Collection method: clinical testing. Allele origin: germline.

Literature cited by the submitters: PubMed 39035772 (cited by Genomenon, Inc).